The following is an entry in ClinVar:

NM_182895.5(SCARF2):c.2008G>A (p.Gly670Ser)

Gene: SCARF2 (scavenger receptor class F member 2; minus strand). Cytogenetic location: 22q11.21.
Variant type: single nucleotide variant.
Coding change: c.2008G>A on transcript NM_182895.5 (MANE Select); coding-DNA position 2008, G replaced by A.
Protein change: p.Gly670Ser; replaces glycine 670 with serine.
Molecular consequence: missense variant.
Genome position (GRCh38, 1-based): chr22:20,425,968, C>T on the plus strand (G>A on the coding strand, the complement: SCARF2 is on the minus strand). VCF-style: chr22-20425968-C-T. GRCh37 (hg19) VCF-style: chr22-20780255-C-T.
Other names: c.2023G>A, p.Gly675Ser (NM_153334.7); short protein forms G670S, G675S.
Identifiers: ClinVar variation 1311346 (VCV001311346.2), dbSNP rs751535844, ClinGen allele CA10112250.

ClinVar aggregate classification (germline): Uncertain significance (1 of 4 stars; one submission).

Allele frequency attached by ClinVar (database versions not stated): gnomAD exomes 0.00003; ExAC 0.00005; gnomAD 0.00001.
gnomAD v4.1: 5 of 1,594,368 alleles (0.00031%); highest among the groups gnomAD compares: East Asian, 0.0092%; no homozygotes.

Submission:

GeneDx
Classification: Uncertain significance. Last evaluated: 2019-12-23. Review status: criteria provided, single submitter. Criteria: GeneDx Variant Classification Process June 2021. Collection method: clinical testing. Allele origin: germline. Affected: yes.
Comment: In silico analysis, which includes protein predictors and evolutionary conservation, supports that this variant does not alter protein structure/function; Has not been previously published as pathogenic or benign to our knowledge